The following is an entry in ClinVar:

NM_032730.5(RTN4IP1):c.322G>A (p.Val108Met)

Gene: RTN4IP1 (reticulon 4 interacting protein 1; minus strand). Cytogenetic location: 6q21.
Variant type: single nucleotide variant.
Coding change: c.322G>A on transcript NM_032730.5 (MANE Select); coding-DNA position 322, G replaced by A.
Protein change: p.Val108Met; replaces valine 108 with methionine.
Molecular consequence: missense variant.
Genome position (GRCh38, 1-based): chr6:106,622,922, C>T on the plus strand (G>A on the coding strand, the complement: RTN4IP1 is on the minus strand). VCF-style: chr6-106622922-C-T. GRCh37 (hg19) VCF-style: chr6-107070797-C-T.
Other names: c.22G>A, p.Val8Met (NM_001318746.1); short protein forms V8M, V108M.
Identifiers: ClinVar variation 1388724 (VCV001388724.5), dbSNP rs756187910, ClinGen allele CA3944537.
Genomic context (GRCh38, chr6:106,622,922, plus strand): 5'-TCACCACGCCAGAGACATCCCGACCCAGAGTCAGAGGAAATTCTTCTCCTTTGATTTTCA[C>T]GTGTAAAGGATCACGCTTCATATTTAAAGCTGTAGCTCCATAACCACCTGTAAAATACAA-3'
Protein context (NP_116119.2, residues 98-118): ALNMKRDPLH[Val108Met]KIKGEEFPLT

ClinVar aggregate classification (germline): Uncertain significance (1 of 4 stars; one submission).

Allele frequency attached by ClinVar (database versions not stated): gnomAD 0.00001; gnomAD exomes 0.00001; ExAC 0.00002.
gnomAD v4.1: 23 of 1,613,950 alleles (0.0014%); highest among the groups gnomAD compares: South Asian, 0.0022%; no homozygotes.

Submission:

Labcorp Genetics (formerly Invitae), Labcorp
Classification: Uncertain significance. Last evaluated: 2021-08-14. Review status: criteria provided, single submitter. Criteria: Invitae Variant Classification Sherloc (09022015). Collection method: clinical testing. Allele origin: germline.
Comment: This sequence change replaces valine with methionine at codon 108 of the RTN4IP1 protein (p.Val108Met). The valine residue is weakly conserved and there is a small physicochemical difference between valine and methionine. This variant is present in population databases (rs756187910, ExAC 0.003%). This variant has not been reported in the literature in individuals affected with RTN4IP1-related conditions. Algorithms developed to predict the effect of missense changes on protein structure and function output the following: SIFT: "Tolerated"; PolyPhen-2: "Benign"; Align-GVGD: "Class C0". The methionine amino acid residue is found in multiple mammalian species, which suggests that this missense change does not adversely affect protein function. In summary, the available evidence is currently insufficient to determine the role of this variant in disease. Therefore, it has been classified as a Variant of Uncertain Significance.